The following is an entry in ClinVar:

NM_004493.3(HSD17B10):c.299C>T (p.Thr100Met)

Gene: HSD17B10 (hydroxysteroid 17-beta dehydrogenase 10; minus strand). Cytogenetic location: Xp11.22.
Variant type: single nucleotide variant.
Coding change: c.299C>T on transcript NM_004493.3 (MANE Select); coding-DNA position 299, C replaced by T.
Protein change: p.Thr100Met; replaces threonine 100 with methionine.
Molecular consequence: missense variant.
Genome position (GRCh38, 1-based): chrX:53,432,305, G>A on the plus strand (C>T on the coding strand, the complement: HSD17B10 is on the minus strand). VCF-style: chrX-53432305-G-A. GRCh37 (hg19) VCF-style: chrX-53459253-G-A.
Other names: c.299C>T, p.Thr100Met (NM_001037811.2); short protein forms T100M.
Identifiers: ClinVar variation 2442658 (VCV002442658.2), dbSNP rs2521098107, ClinGen allele CA413152909.

ClinVar aggregate classification (germline): Uncertain significance. Review status: criteria provided, multiple submitters, no conflicts (2 of 4 stars). 2 submissions from 2 submitters: Uncertain significance (2). Last evaluated 2025-11-26.

Conditions:
Inborn genetic diseases. Identifiers: MedGen C0950123, MeSH D030342.

Submissions (2):

Ambry Genetics
Classification: Uncertain significance for Inborn genetic diseases. Last evaluated: 2025-11-26. Review status: criteria provided, single submitter. Criteria: Ambry Variant Classification Scheme 2023. Collection method: clinical testing. Allele origin: germline.

GeneDx
Classification: Uncertain significance. Last evaluated: 2022-08-29. Review status: criteria provided, single submitter. Criteria: GeneDx Variant Classification Process June 2021. Collection method: clinical testing. Allele origin: germline. Affected: yes.
Comment: Not observed at significant frequency in large population cohorts (gnomAD); In silico analysis supports that this missense variant has a deleterious effect on protein structure/function; Has not been previously published as pathogenic or benign to our knowledge